The following is an entry in ClinVar:

NM_018139.3(DNAAF2):c.377C>T (p.Ala126Val)

Gene: DNAAF2 (dynein axonemal assembly factor 2; minus strand). Cytogenetic location: 14q21.3.
Variant type: single nucleotide variant.
Coding change: c.377C>T on transcript NM_018139.3 (MANE Select); coding-DNA position 377, C replaced by T.
Protein change: p.Ala126Val; replaces alanine 126 with valine.
Molecular consequence: missense variant.
Genome position (GRCh38, 1-based): chr14:49,634,773, G>A on the plus strand (C>T on the coding strand, the complement: DNAAF2 is on the minus strand). VCF-style: chr14-49634773-G-A. GRCh37 (hg19) VCF-style: chr14-50101491-G-A.
Other names: c.377C>T, p.Ala126Val (NM_001083908.2); short protein forms A126V.
Identifiers: ClinVar variation 454908 (VCV000454908.9), dbSNP rs771603303, ClinGen allele CA7173123.

ClinVar aggregate classification (germline): Uncertain significance. Review status: criteria provided, multiple submitters, no conflicts (2 of 4 stars). 2 submissions from 2 submitters: Uncertain significance (2). Last evaluated 2024-09-14.

Conditions:
Primary ciliary dyskinesia. Also called: Ciliary dyskinesia. Identifiers: Orphanet 244, MedGen C0008780, MONDO:0016575, HP:0012265.

Allele frequency attached by ClinVar (database versions not stated): TOPMed 0.00002; gnomAD 0.00003.

Submissions (2):

Ambry Genetics
Classification: Uncertain significance for Primary ciliary dyskinesia. Last evaluated: 2024-09-14. Review status: criteria provided, single submitter. Criteria: Ambry Variant Classification Scheme 2023. Collection method: clinical testing. Allele origin: germline.
Comment: The p.A126V variant (also known as c.377C>T), located in coding exon 1 of the DNAAF2 gene, results from a C to T substitution at nucleotide position 377. The alanine at codon 126 is replaced by valine, an amino acid with similar properties. This amino acid position is not well conserved in available vertebrate species. In addition, this alteration is predicted to be tolerated by in silico analysis. Since supporting evidence is limited at this time, the clinical significance of this alteration remains unclear.

Labcorp Genetics (formerly Invitae), Labcorp
Classification: Uncertain significance for Primary ciliary dyskinesia. Last evaluated: 2021-08-24. Review status: criteria provided, single submitter. Criteria: Invitae Variant Classification Sherloc (09022015). Collection method: clinical testing. Allele origin: germline.
Comment: This sequence change replaces alanine with valine at codon 126 of the DNAAF2 protein (p.Ala126Val). The alanine residue is moderately conserved and there is a small physicochemical difference between alanine and valine. This variant is present in population databases (rs771603303, ExAC 0.008%). This variant has not been reported in the literature in individuals affected with DNAAF2-related conditions. Algorithms developed to predict the effect of missense changes on protein structure and function are either unavailable or do not agree on the potential impact of this missense change (SIFT: "Tolerated"; PolyPhen-2: "Probably Damaging"; Align-GVGD: "Class C0"). Algorithms developed to predict the effect of sequence changes on RNA splicing suggest that this variant may create or strengthen a splice site. In summary, the available evidence is currently insufficient to determine the role of this variant in disease. Therefore, it has been classified as a Variant of Uncertain Significance.